The following is an entry in ClinVar:

NM_206933.4(USH2A):c.3026C>G (p.Ala1009Gly)

Genes: USH2A (usherin; minus strand), USH2A-AS1 (USH2A antisense RNA 1; plus strand). Cytogenetic location: 1q41.
Variant type: single nucleotide variant.
Coding change: c.3026C>G on transcript NM_206933.4 (MANE Select); coding-DNA position 3026, C replaced by G.
Protein change: p.Ala1009Gly; replaces alanine 1009 with glycine.
Molecular consequence: missense variant.
Genome position (GRCh38, 1-based): chr1:216,217,518, G>C on the plus strand (C>G on the coding strand, the complement: USH2A is on the minus strand). VCF-style: chr1-216217518-G-C. GRCh37 (hg19) VCF-style: chr1-216390860-G-C.
Other names: c.3026C>G, p.Ala1009Gly (NM_007123.6); c.3026C>G (NM_206933.2); short protein forms A1009G.
Identifiers: ClinVar variation 2152381 (VCV002152381.5), dbSNP rs150729680, ClinGen allele CA1396098.
Genomic context (GRCh38, chr1:216,217,518, plus strand): 5'-CCAGTGACAAATTGTTTACAGAAACACTGGCCTGTGACCAAGTGACAGGTTTCATTCAAG[G>C]CTCCTGAGAGATGACAATTACAAGGCTGACATCTGAAAACAAGGCAAATAAACCATCAAA-3'
Protein context (NP_996816.3, residues 999-1019): CQPCNCHLSG[Ala1009Gly]LNETCHLVTG

ClinVar aggregate classification (germline): Uncertain significance. Review status: criteria provided, multiple submitters, no conflicts (2 of 4 stars). 6 submissions from 5 submitters: Uncertain significance (6). Last evaluated 2026-06-20.

Conditions:
USH2A-related disorder. Also called: USH2A-related condition; USH2A-related disorders. Identifiers: MedGen CN239332.
Inborn genetic diseases. Identifiers: MedGen C0950123, MeSH D030342.
Usher syndrome type 2A. Also called: RETINAL DISEASE IN USHER SYNDROME TYPE IIA, MODIFIER OF; USHER SYNDROME, TYPE IIA. Identifiers: Orphanet 231178, Orphanet 886, MedGen C1848634, MONDO:0010169, OMIM 276901.
Retinitis pigmentosa 39 (RP39). Identifiers: Orphanet 791, MedGen C3151138, MONDO:0013436, OMIM 613809.

gnomAD v4.1: 38 of 1,613,016 alleles (0.0024%); highest among the groups gnomAD compares: Admixed American, 0.0083%; no homozygotes.

Submissions (6):

PreventionGenetics, part of Exact Sciences
Classification: Uncertain significance for USH2A-related condition. Last evaluated: 2026-06-20. Review status: criteria provided, single submitter. Criteria: ACMG Guidelines, 2015. Collection method: clinical testing. Allele origin: germline.
Comment: The USH2A c.3026C>G variant is predicted to result in the amino acid substitution p.Ala1009Gly. To our knowledge, this variant has not been reported in the literature. This variant is reported in 0.0065% of alleles in individuals of South Asian descent in gnomAD. At this time, the clinical significance of this variant is uncertain due to the absence of conclusive functional and genetic evidence.

Genome-Nilou Lab
Classification: Uncertain significance for Retinitis pigmentosa 39. Last evaluated: 2023-11-04. Review status: criteria provided, single submitter. Criteria: ACMG Guidelines, 2015. Collection method: clinical testing. Allele origin: germline. Affected: no.

Genome-Nilou Lab
Classification: Uncertain significance for Usher syndrome type 2A. Last evaluated: 2023-11-04. Review status: criteria provided, single submitter. Criteria: ACMG Guidelines, 2015. Collection method: clinical testing. Allele origin: germline. Affected: no.

Blueprint Genetics
Classification: Uncertain significance. Last evaluated: 2023-01-26. Review status: criteria provided, single submitter. Criteria: ACMG Guidelines, 2015. Collection method: clinical testing. Allele origin: germline.

Ambry Genetics
Classification: Uncertain significance for Inborn genetic diseases. Last evaluated: 2022-11-08. Review status: criteria provided, single submitter. Criteria: Ambry Variant Classification Scheme 2023. Collection method: clinical testing. Allele origin: germline.

Labcorp Genetics (formerly Invitae), Labcorp
Classification: Uncertain significance. Last evaluated: 2022-07-30. Review status: criteria provided, single submitter. Criteria: Invitae Variant Classification Sherloc (09022015). Collection method: clinical testing. Allele origin: germline.
Comment: This sequence change replaces alanine, which is neutral and non-polar, with glycine, which is neutral and non-polar, at codon 1009 of the USH2A protein (p.Ala1009Gly). This variant is present in population databases (rs150729680, gnomAD 0.007%). This variant has not been reported in the literature in individuals affected with USH2A-related conditions. Algorithms developed to predict the effect of missense changes on protein structure and function are either unavailable or do not agree on the potential impact of this missense change (SIFT: "Deleterious"; PolyPhen-2: "Benign"; Align-GVGD: "Class C0"). In summary, the available evidence is currently insufficient to determine the role of this variant in disease. Therefore, it has been classified as a Variant of Uncertain Significance.